The following is an entry in ClinVar:

NM_001172509.2(SATB2):c.973C>G (p.Arg325Gly)

Gene: SATB2 (SATB homeobox 2; minus strand). Cytogenetic location: 2q33.1.
Variant type: single nucleotide variant.
Coding change: c.973C>G on transcript NM_001172509.2 (MANE Select); coding-DNA position 973, C replaced by G.
Protein change: p.Arg325Gly; replaces arginine 325 with glycine.
Molecular consequence: missense variant.
Genome position (GRCh38, 1-based): chr2:199,348,901, G>C on the plus strand (C>G on the coding strand, the complement: SATB2 is on the minus strand). VCF-style: chr2-199348901-G-C. GRCh37 (hg19) VCF-style: chr2-200213624-G-C.
Other names: c.973C>G, p.Arg325Gly (NM_001172517.1, NM_015265.4); short protein forms R325G.
Identifiers: ClinVar variation 3347617 (VCV003347617.1).
Genomic context (GRCh38, chr2:199,348,901, plus strand): 5'-TGGGTGGATGGTTCAGGAACTGCTGGTTGATGGCTTGAGGATGCTGGTGAGCCAGGAGCC[G>C]GCTAACGGCAATCTGTTGGTTTATCAGATGGGCCATGGCTATTTGTTGCCTTACAAGTTG-3'
Protein context (NP_001165980.1, residues 315-335): HLINQQIAVS[Arg325Gly]LLAHQHPQAI

ClinVar aggregate classification (germline): Uncertain significance (0 of 4 stars; one submission).

Conditions:
SATB2-related disorder. Also called: SATB2-related condition.

Submission:

PreventionGenetics, part of Exact Sciences
Classification: Uncertain significance for SATB2-related condition. Last evaluated: 2024-05-14. Review status: no assertion criteria provided. Collection method: clinical testing. Allele origin: germline.
Comment: The SATB2 c.973C>G variant is predicted to result in the amino acid substitution p.Arg325Gly. To our knowledge, this variant has not been reported in the literature or in a large population database, indicating this variant is rare. At this time, the clinical significance of this variant is uncertain due to the absence of conclusive functional and genetic evidence.